The following is an entry in ClinVar:

NM_006015.6(ARID1A):c.1135C>T (p.Gln379Ter)

Genes: ARID1A (AT-rich interaction domain 1A; plus strand), LOC129929837 (ATAC-STARR-seq lymphoblastoid silent region 489; plus strand). Cytogenetic location: 1p36.11.
Variant type: single nucleotide variant.
Coding change: c.1135C>T on transcript NM_006015.6 (MANE Select); coding-DNA position 1135, C replaced by T.
Protein change: p.Gln379Ter; replaces glutamine 379 with a stop codon.
Molecular consequence: nonsense.
Genome position (GRCh38, 1-based): chr1:26,697,538, C>T. VCF-style: chr1-26697538-C-T. GRCh37 (hg19) VCF-style: chr1-27024029-C-T.
Other names: c.1135C>T, p.Gln379Ter (NM_139135.4); short protein forms Q379*.
Identifiers: ClinVar variation 2634789 (VCV002634789.1), dbSNP rs2080284671, ClinGen allele CA339267258.

ClinVar aggregate classification (germline): Likely pathogenic (1 of 4 stars; one submission).

Conditions:
ARID1A-related disorder. Also called: ARID1A-related condition.

Submission:

PreventionGenetics, part of Exact Sciences
Classification: Likely pathogenic for ARID1A-related condition. Last evaluated: 2023-01-23. Review status: criteria provided, single submitter. Criteria: ACMG Guidelines, 2015. Collection method: clinical testing. Allele origin: germline.
Comment: The ARID1A c.1135C>T variant is predicted to result in premature protein termination (p.Gln379*). To our knowledge, this variant has not been reported in the literature or in a large population database, indicating this variant is rare. Nonsense variants in ARID1A are expected to be pathogenic. This variant is interpreted as likely pathogenic.